The following is an entry in ClinVar:

NM_020549.5(CHAT):c.880_884del (p.Asn294fs)

Gene: CHAT (choline O-acetyltransferase; plus strand). Cytogenetic location: 10q11.23.
Variant type: Deletion.
Coding change: c.880_884del on transcript NM_020549.5 (MANE Select); coding-DNA positions 880 to 884, 5 bases deleted (AACAG; older notation c.880_884delAACAG).
Protein change: p.Asn294fs; shifts the reading frame from asparagine 294.
Molecular consequence: frameshift variant.
Genome position (GRCh38, 1-based): chr10:49,625,600-49,625,604, AACAG deleted; deleting any 5 consecutive bases within chr10:49,625,597-49,625,604 gives the same sequence; the c. name uses the placement nearest the transcript's 3' end. VCF-style (leftmost placement, unchanged base first): chr10-49625596-TCAGAA-T. GRCh37 (hg19) VCF-style: chr10-50833642-TCAGAA-T.
Other names: c.526_530del, p.Asn176fs (NM_001142929.2, NM_001142934.2, NM_020984.4 and 2 more transcripts); c.634_638del, p.Asn212fs (NM_001142933.2); short protein forms N212fs, N294fs, N176fs.
Identifiers: ClinVar variation 2971616 (VCV002971616.3), dbSNP rs2496353192, ClinGen allele CA2609144753.
Genomic context (GRCh38, chr10:49,625,596, plus strand): 5'-ATACTATGGGCTCTTCTCCTCCTACCGGCTCCCCGGCCATACCCAGGACACGCTGGTGGC[TCAGAA>T]CAGCAGCATCATGCCGGAGCCTGAGCACGTCATCGTAGCCTGCTGCAATCAGGTAAGCAA-3'

ClinVar aggregate classification (germline): Pathogenic (1 of 4 stars; one submission).

Conditions:
Familial infantile myasthenia (CMS6). Also called: MYASTHENIC SYNDROME, CONGENITAL, 6, PRESYNAPTIC; Congenital myasthenic syndrome type 6; MYASTHENIC SYNDROME, PRESYNAPTIC, CONGENITAL, ASSOCIATED WITH EPISODIC APNEA. Identifiers: Orphanet 590, MedGen C0393929, MONDO:0009689, OMIM 254210.

Submission:

Labcorp Genetics (formerly Invitae), Labcorp
Classification: Pathogenic for Familial infantile myasthenia. Last evaluated: 2024-01-02. Review status: criteria provided, single submitter. Criteria: Invitae Variant Classification Sherloc (09022015). Collection method: clinical testing. Allele origin: germline.
Comment: This sequence change creates a premature translational stop signal (p.Asn294Glnfs*7) in the CHAT gene. It is expected to result in an absent or disrupted protein product. Loss-of-function variants in CHAT are known to be pathogenic (PMID: 12548525, 21786365, 23292760). This variant is not present in population databases (gnomAD no frequency). This variant has not been reported in the literature in individuals affected with CHAT-related conditions. For these reasons, this variant has been classified as Pathogenic.

Literature cited by the submitters: PubMed 12548525; PubMed 21786365; PubMed 23292760.